The following is an entry in ClinVar:

ClinVar aggregate classification (germline): Conflicting classifications of pathogenicity. Review status: criteria provided, conflicting classifications (1 of 4 stars). 2 submissions from 2 submitters: Uncertain significance (1); Likely benign (1). Last evaluated 2024-02-01.

Allele frequency attached by ClinVar (database versions not stated): 1000 Genomes Project 30x 0.00016; 1000 Genomes Project 0.00020; ExAC 0.00077; gnomAD 0.00090; ESP Exome Variant Server 0.00145; gnomAD exomes 0.00172.

Submissions (2):

CeGaT Center for Human Genetics Tuebingen
Classification: Likely benign. Last evaluated: 2024-02-01. Review status: criteria provided, single submitter. Criteria: CeGaT Center For Human Genetics Tuebingen Variant Classification Criteria Version 2. Collection method: clinical testing. Allele origin: germline. Affected: yes. Observed: 2 variant alleles.
Comment: OR4P4: BP4, BS2

Ambry Genetics
Classification: Uncertain significance. Last evaluated: 2021-09-17. Review status: criteria provided, single submitter. Criteria: Ambry Variant Classification Scheme 2023. Collection method: clinical testing. Allele origin: germline.

NM_001405919.1(OR4P4):c.400A>G (p.Met134Val)

Gene: OR4P4 (olfactory receptor family 4 subfamily P member 4; plus strand). Cytogenetic location: 11q11.
Variant type: single nucleotide variant.
Coding change: c.400A>G on transcript NM_001405919.1 (MANE Select); coding-DNA position 400, A replaced by G.
Protein change: p.Met134Val; replaces methionine 134 with valine.
Molecular consequence: missense variant.
Genome position (GRCh38, 1-based): chr11:55,638,757, A>G. VCF-style: chr11-55638757-A-G. GRCh37 (hg19) VCF-style: chr11-55406233-A-G.
Other names: c.400A>G, p.Met134Val (NM_001004124.2); short protein forms M134V.
Identifiers: ClinVar variation 2343498 (VCV002343498.27), dbSNP rs147136011, ClinGen allele CA5991553.
Genomic context (GRCh38, chr11:55,638,757, plus strand): 5'-ACAGGGATGGCCTATGACCGCTATGTGGCCATTTGCAAGCCCCTGCACTACACCATTATT[A>G]TGAGCAGGCAAAAGTGTAACACAATCATCATAGTTTGTTGTACTGGGGGATTTATACATT-3'
Protein context (NP_001392848.1, residues 124-144): ICKPLHYTII[Met134Val]SRQKCNTIII